The following is an entry in ClinVar:

ClinVar aggregate classification (germline): Pathogenic/Likely pathogenic. Review status: criteria provided, multiple submitters, no conflicts (2 of 4 stars). 4 submissions from 4 submitters: Pathogenic (1); Likely pathogenic (2). 1 of the submissions does not count toward it. Last evaluated 2024-04-28.

Conditions:
Mitochondrial complex V (ATP synthase) deficiency, nuclear type 2. Also called: Nuclear-Encoded ATPase Deficiency, TMEM70-Related; ENCEPHALOCARDIOMYOPATHY, MITOCHONDRIAL, NEONATAL, DUE TO ATP SYNTHASE DEFICIENCY; MITOCHONDRIAL COMPLEX V (ATP SYNTHASE) DEFICIENCY, TMEM70 TYPE. Identifiers: Orphanet 1194, MedGen C3279699, MONDO:0013546, OMIM 614052.

Submissions (4):

GeneDx
Classification: Pathogenic. Last evaluated: 2024-04-28. Review status: criteria provided, single submitter. Criteria: GeneDx Variant Classification Process June 2021. Collection method: clinical testing. Allele origin: germline. Affected: yes.
Comment: Frameshift variant predicted to result in abnormal protein length as the last 68 amino acids are replaced with 5 different amino acids, and other similar variants have been reported in HGMD; Not observed at significant frequency in large population cohorts (gnomAD); This variant is associated with the following publications: (PMID: 25326274, 21147908, 24740313)

Genomic Medicine Center of Excellence, King Faisal Specialist Hospital and Research Centre
Classification: Likely pathogenic for Mitochondrial complex V (ATP synthase) deficiency, nuclear type 2. Last evaluated: 2024-03-25. Review status: criteria provided, single submitter. Criteria: ACMG Guidelines, 2015. Collection method: research. Allele origin: germline.

Labcorp Genetics (formerly Invitae), Labcorp
Classification: Likely pathogenic for Mitochondrial complex V (ATP synthase) deficiency, nuclear type 2. Last evaluated: 2022-11-10. Review status: criteria provided, single submitter. Criteria: Invitae Variant Classification Sherloc (09022015). Collection method: clinical testing. Allele origin: germline.
Comment: In summary, the currently available evidence indicates that the variant is pathogenic, but additional data are needed to prove that conclusively. Therefore, this variant has been classified as Likely Pathogenic. This sequence change creates a premature translational stop signal (p.Thr193Serfs*6) in the TMEM70 gene. While this is not anticipated to result in nonsense mediated decay, it is expected to disrupt the last 68 amino acid(s) of the TMEM70 protein. This variant is present in population databases (rs777501387, gnomAD 0.01%). This premature translational stop signal has been observed in individual(s) with ATP synthase deficiency (PMID: 21147908). It has also been observed to segregate with disease in related individuals. ClinVar contains an entry for this variant (Variation ID: 419199). This variant disrupts a region of the TMEM70 protein in which other variant(s) (p.His234Pro) have been observed in individuals with TMEM70-related conditions (PMID: 24740313). This suggests that this is a clinically significant region of the protein, and that variants that disrupt it are likely to be disease-causing.

OMIM
Classification: Pathogenic for MITOCHONDRIAL COMPLEX V (ATP SYNTHASE) DEFICIENCY, NUCLEAR TYPE 2. Last evaluated: 2011-03-01. Review status: no assertion criteria provided. Collection method: literature only. Allele origin: germline. Not counted in ClinVar's aggregate classification.

Literature cited by the submitters: PubMed 21147908 (cited by Labcorp Genetics (formerly Invitae), Labcorp and OMIM); PubMed 24740313 (cited by Labcorp Genetics (formerly Invitae), Labcorp).

NM_017866.6(TMEM70):c.578_579del (p.Thr193fs)

Gene: TMEM70 (transmembrane protein 70; plus strand). Cytogenetic location: 8q21.11.
Variant type: Deletion.
Coding change: c.578_579del on transcript NM_017866.6 (MANE Select); coding-DNA positions 578 to 579, 2 bases deleted (CA; older notation c.578_579delCA).
Protein change: p.Thr193fs; shifts the reading frame from threonine 193.
Molecular consequence: frameshift variant. On other transcripts: 3 prime UTR variant (1), non-coding transcript variant (1).
Genome position (GRCh38, 1-based): chr8:73,981,416-73,981,417, CA deleted; deleting any 2 consecutive bases within chr8:73,981,415-73,981,417 gives the same sequence; the c. name uses the placement nearest the transcript's 3' end. VCF-style (leftmost placement, unchanged base first): chr8-73981414-TAC-T. GRCh37 (hg19) VCF-style: chr8-74893649-TAC-T.
Other names: c.578_579del (NM_017866.5); c.*268_*269del (NM_001040613.3); short protein forms T193fs.
Identifiers: ClinVar variation 419199 (VCV000419199.15), dbSNP rs777501387, ClinGen allele CA4784075.